The following is an entry in ClinVar:

NM_006231.4(POLE):c.1088A>G (p.Asn363Ser)

Gene: POLE (DNA polymerase epsilon, catalytic subunit; minus strand). Cytogenetic location: 12q24.33.
Variant type: single nucleotide variant.
Coding change: c.1088A>G on transcript NM_006231.4 (MANE Select); coding-DNA position 1088, A replaced by G.
Protein change: p.Asn363Ser; replaces asparagine 363 with serine.
Molecular consequence: missense variant.
Genome position (GRCh38, 1-based): chr12:132,675,753, T>C on the plus strand (A>G on the coding strand, the complement: POLE is on the minus strand). VCF-style: chr12-132675753-T-C. GRCh37 (hg19) VCF-style: chr12-133252339-T-C.
Other names: short protein forms N363S.
Identifiers: ClinVar variation 246239 (VCV000246239.16), dbSNP rs879254173, ClinGen allele CA10584413.
Genomic context (GRCh38, chr12:132,675,753, plus strand): 5'-TCAAATGCTGCCCAGTTACTCATAGAGAAGACACAGACTCACCAGTCAAAAAAGTCCCCG[T>C]TGTAGGTGACCATGATGGTGGGTTTGGTCTCCTGGACGTGTTCAAACCACCTTTGGATCA-3'
Protein context (NP_006222.2, residues 353-373): ETKPTIMVTY[Asn363Ser]GDFFDWPFVE

ClinVar aggregate classification (germline): Conflicting classifications of pathogenicity. Review status: criteria provided, conflicting classifications (1 of 4 stars). 3 submissions from 3 submitters: Uncertain significance (2); Likely benign (1). Last evaluated 2024-11-11.
ClinVar aggregate classification (somatic clinical impact): Tier II - Potential (1 of 4 stars; one submission).

Conditions:
Hereditary cancer-predisposing syndrome. Also called: Hereditary neoplastic syndrome; Neoplastic Syndromes, Hereditary; Tumor predisposition; Hereditary Cancer Syndrome. Identifiers: Orphanet 140162, MedGen C0027672, MeSH D009386, MONDO:0015356.
Melanoma. Identifiers: MedGen C0025202, MeSH D008545, MONDO:0005105, HP:0002861.

Submissions (4):

Institute for Genomic Medicine (IGM) Clinical Laboratory, Nationwide Children's Hospital
Classification: Tier II - Potential for Melanoma. Assertion type: diagnostic. Clinical significance: supports diagnosis. Last evaluated: 2025-04-04. Review status: criteria provided, single submitter. Criteria: AMP/ASCO/CAP Guidelines, 2017. Collection method: clinical testing. Allele origin: somatic. Affected: yes.
Comment: Variant has Tier II (potential) clinical significance as a diagnostic inclusion criterion in melanoma, based on the following evidence: 1) Diagnostic significance based on multiple small studies (Evidence Level C; PMIDs: 31415061, 39888082).

Labcorp Genetics (formerly Invitae), Labcorp
Classification: Uncertain significance. Last evaluated: 2024-11-11. Review status: criteria provided, single submitter. Criteria: Invitae Variant Classification Sherloc (09022015). Collection method: clinical testing. Allele origin: germline.
Comment: This sequence change replaces asparagine, which is neutral and polar, with serine, which is neutral and polar, at codon 363 of the POLE protein (p.Asn363Ser). This variant is not present in population databases (gnomAD no frequency). This variant has not been reported in the literature in individuals affected with POLE-related conditions. ClinVar contains an entry for this variant (Variation ID: 246239). Invitae Evidence Modeling of protein sequence and biophysical properties (such as structural, functional, and spatial information, amino acid conservation, physicochemical variation, residue mobility, and thermodynamic stability) indicates that this missense variant is expected to disrupt POLE protein function with a positive predictive value of 80%. This variant disrupts the p.Asn363 amino acid residue in POLE. Other variant(s) that disrupt this residue have been determined to be pathogenic (PMID: 24788313, 30368636). This suggests that this residue is clinically significant, and that variants that disrupt this residue are likely to be disease-causing. In summary, the available evidence is currently insufficient to determine the role of this variant in disease. Therefore, it has been classified as a Variant of Uncertain Significance.

Ambry Genetics
Classification: Likely benign for Hereditary cancer-predisposing syndrome. Last evaluated: 2023-12-28. Review status: criteria provided, single submitter. Criteria: Ambry Variant Classification Scheme 2023. Collection method: clinical testing. Allele origin: germline.

GeneDx
Classification: Uncertain significance. Last evaluated: 2015-12-26. Review status: criteria provided, single submitter. Criteria: GeneDx Variant Classification (06012015). Collection method: clinical testing. Allele origin: germline. Affected: yes.
Comment: This variant is denoted POLE c.1088A>G at the cDNA level, p.Asn363Ser (N363S) at the protein level, and results in the change of an Asparagine to a Serine (AAC>AGC). This variant has not, to our knowledge, been published in the literature as pathogenic or benign. POLE Asn363Ser was not observed in approximately 6,500 individuals of European and African American ancestry in the NHLBI Exome Sequencing Project, suggesting it is not a common benign variant in these populations. Since Asparagine and Serine share similar properties, this is considered a conservative amino acid substitution. POLE Asn363Ser occurs at a position that is conserved across species and is located within the Exonuclease II and Polymerase IV domain motifs (Preston 2010). Of note, a semi-conservative amino acid substitution affecting this same codon (c.1089C>A, p.Asn363Lys) has been reported to segregate with various young-onset cancers within one family, suggesting that the amino acid at this position may be important for proper protein function (Rohlin 2014). In silico analyses predict that this variant is probably damaging to protein structure and function. Based on currently available evidence, it is unclear whether POLE Asn363Ser is a pathogenic or benign variant. We consider it to be a variant of uncertain significance.

Literature cited by the submitters: PubMed 31415061 (cited by Institute for Genomic Medicine (IGM) Clinical Laboratory, Nationwide Children's Hospital); PubMed 39888082 (cited by Institute for Genomic Medicine (IGM) Clinical Laboratory, Nationwide Children's Hospital); PubMed 24788313 (cited by Labcorp Genetics (formerly Invitae), Labcorp and Ambry Genetics); PubMed 30368636 (cited by Labcorp Genetics (formerly Invitae), Labcorp).